The following is an entry in ClinVar:

NM_001145809.2(MYH14):c.1849G>A (p.Glu617Lys)

Gene: MYH14 (myosin heavy chain 14; plus strand). Cytogenetic location: 19q13.33.
Variant type: single nucleotide variant.
Coding change: c.1849G>A on transcript NM_001145809.2 (MANE Select); coding-DNA position 1849, G replaced by A.
Protein change: p.Glu617Lys; replaces glutamic acid 617 with lysine.
Molecular consequence: missense variant.
Genome position (GRCh38, 1-based): chr19:50,252,657, G>A. VCF-style: chr19-50252657-G-A. GRCh37 (hg19) VCF-style: chr19-50755914-G-A.
Other names: c.1849G>A, p.Glu617Lys (NM_001077186.2); c.1825G>A, p.Glu609Lys (NM_024729.4); short protein forms E609K, E617K.
Identifiers: ClinVar variation 2650306 (VCV002650306.24), dbSNP rs1486270635, ClinGen allele CA406961265.

ClinVar aggregate classification (germline): Uncertain significance (1 of 4 stars; one submission).

Allele frequency attached by ClinVar (database versions not stated): gnomAD exomes below 0.00001.

Submission:

CeGaT Center for Human Genetics Tuebingen
Classification: Uncertain significance. Last evaluated: 2024-07-01. Review status: criteria provided, single submitter. Criteria: CeGaT Center For Human Genetics Tuebingen Variant Classification Criteria Version 2. Collection method: clinical testing. Allele origin: germline. Affected: yes. Observed: 2 variant alleles.
Comment: MYH14: PM2